The following is an entry in ClinVar:

ClinVar aggregate classification (germline): Uncertain significance (1 of 4 stars; one submission).

Conditions:
Catecholaminergic polymorphic ventricular tachycardia 1. Also called: VENTRICULAR TACHYCARDIA, CATECHOLAMINERGIC POLYMORPHIC, 1, WITH OR WITHOUT ATRIAL DYSFUNCTION AND/OR DILATED CARDIOMYOPATHY; RYR2-Related Catecholaminergic Polymorphic Ventricular Tachycardia; VENTRICULAR TACHYCARDIA, STRESS-INDUCED POLYMORPHIC 1. Identifiers: Orphanet 3286, MedGen C1631597, MONDO:0011484, OMIM 604772.

Submission:

Labcorp Genetics (formerly Invitae), Labcorp
Classification: Uncertain significance for Catecholaminergic polymorphic ventricular tachycardia 1. Last evaluated: 2024-10-30. Review status: criteria provided, single submitter. Criteria: Invitae Variant Classification Sherloc (09022015). Collection method: clinical testing. Allele origin: germline.
Comment: This sequence change replaces glutamic acid, which is acidic and polar, with glycine, which is neutral and non-polar, at codon 2881 of the RYR2 protein (p.Glu2881Gly). This variant is not present in population databases (gnomAD no frequency). This variant has not been reported in the literature in individuals affected with RYR2-related conditions. Invitae Evidence Modeling of protein sequence and biophysical properties (such as structural, functional, and spatial information, amino acid conservation, physicochemical variation, residue mobility, and thermodynamic stability) indicates that this missense variant is expected to disrupt RYR2 protein function with a positive predictive value of 95%. In summary, the available evidence is currently insufficient to determine the role of this variant in disease. Therefore, it has been classified as a Variant of Uncertain Significance.

NM_001035.3(RYR2):c.8642A>G (p.Glu2881Gly)

Gene: RYR2 (ryanodine receptor 2; plus strand). Cytogenetic location: 1q43.
Variant type: single nucleotide variant.
Coding change: c.8642A>G on transcript NM_001035.3 (MANE Select); coding-DNA position 8642, A replaced by G.
Protein change: p.Glu2881Gly; replaces glutamic acid 2881 with glycine.
Molecular consequence: missense variant.
Genome position (GRCh38, 1-based): chr1:237,674,147, A>G. VCF-style: chr1-237674147-A-G. GRCh37 (hg19) VCF-style: chr1-237837447-A-G.
Other names: short protein forms E2881G.
Identifiers: ClinVar variation 3632480 (VCV003632480.2).